The following is an entry in ClinVar:

ClinVar aggregate classification (germline): Pathogenic (1 of 4 stars; one submission).

Submission:

Athena Diagnostics
Classification: Pathogenic. Last evaluated: 2025-06-20. Review status: criteria provided, single submitter. Criteria: Athena Diagnostics Criteria. Collection method: clinical testing. Allele origin: unknown.
Comment: This variant is expected to severely impact normal RNA splicing, and consequently, protein structure and/or function. This variant has not been reported in large, multi-ethnic general populations. This variant has been identified in at least one individual with clinical features associated with this gene.

NM_004984.4(KIF5A):c.1118-2A>G

Gene: KIF5A (kinesin family member 5A; plus strand). Cytogenetic location: 12q13.3.
Variant type: single nucleotide variant.
Coding change: c.1118-2A>G on transcript NM_004984.4 (MANE Select); the canonical splice acceptor site of the intron before coding-DNA position 1118, A replaced by G.
Molecular consequence: splice acceptor variant.
Genome position (GRCh38, 1-based): chr12:57,569,985, A>G. VCF-style: chr12-57569985-A-G. GRCh37 (hg19) VCF-style: chr12-57963768-A-G.
Other names: c.851-2A>G (NM_001354705.2).
Identifiers: ClinVar variation 4682485 (VCV004682485.1).